The following is an entry in ClinVar:

NM_021005.4(NR2F2):c.671T>A (p.Val224Asp)

Gene: NR2F2 (nuclear receptor subfamily 2 group F member 2; plus strand). Cytogenetic location: 15q26.2.
Variant type: single nucleotide variant.
Coding change: c.671T>A on transcript NM_021005.4 (MANE Select); coding-DNA position 671, T replaced by A.
Protein change: p.Val224Asp; replaces valine 224 with aspartic acid.
Molecular consequence: missense variant.
Genome position (GRCh38, 1-based): chr15:96,334,304, T>A. VCF-style: chr15-96334304-T-A. GRCh37 (hg19) VCF-style: chr15-96877533-T-A.
Other names: c.272T>A, p.Val91Asp (NM_001145155.2); c.212T>A, p.Val71Asp (NM_001145156.1, NM_001145157.2); short protein forms V91D, V224D, V71D.
Identifiers: ClinVar variation 966751 (VCV000966751.1), dbSNP rs1899253390, ClinGen allele CA393930915.

ClinVar aggregate classification (germline): Uncertain significance (1 of 4 stars; one submission).

Conditions:
Congenital heart defects, multiple types, 4 (CHTD4). Identifiers: MedGen C4014310, MONDO:0014344, OMIM 615779.

Submission:

Labcorp Genetics (formerly Invitae), Labcorp
Classification: Uncertain significance for Congenital heart defects, multiple types, 4. Last evaluated: 2019-10-18. Review status: criteria provided, single submitter. Criteria: Invitae Variant Classification Sherloc (09022015). Collection method: clinical testing. Allele origin: germline.
Comment: This sequence change replaces valine with aspartic acid at codon 224 of the NR2F2 protein (p.Val224Asp). The valine residue is highly conserved and there is a large physicochemical difference between valine and aspartic acid. This variant is not present in population databases (ExAC no frequency). This variant has not been reported in the literature in individuals with NR2F2-related conditions. Algorithms developed to predict the effect of missense changes on protein structure and function (SIFT, PolyPhen-2, Align-GVGD) all suggest that this variant is likely to be disruptive, but these predictions have not been confirmed by published functional studies and their clinical significance is uncertain. In summary, the available evidence is currently insufficient to determine the role of this variant in disease. Therefore, it has been classified as a Variant of Uncertain Significance.